The following is an entry in ClinVar:

NM_000642.3(AGL):c.2727C>G (p.Tyr909Ter)

Gene: AGL (amylo-alpha-1,6-glucosidase and 4-alpha-glucanotransferase; plus strand). Cytogenetic location: 1p21.2.
Variant type: single nucleotide variant.
Coding change: c.2727C>G on transcript NM_000642.3 (MANE Select); coding-DNA position 2727, C replaced by G.
Protein change: p.Tyr909Ter; replaces tyrosine 909 with a stop codon.
Molecular consequence: nonsense.
Genome position (GRCh38, 1-based): chr1:99,888,023, C>G. VCF-style: chr1-99888023-C-G. GRCh37 (hg19) VCF-style: chr1-100353579-C-G.
Other names: p.Tyr909*; c.2727C>G, p.Tyr909Ter (NM_000028.3, NM_000643.3, NM_000644.3 and 2 more transcripts); c.2679C>G, p.Tyr893Ter (NM_000646.3); c.2526C>G, p.Tyr842Ter (NM_001425327.1); c.2523C>G, p.Tyr841Ter (NM_001425328.1); c.2388C>G, p.Tyr796Ter (NM_001425329.1); c.2349C>G, p.Tyr783Ter (NM_001425332.1); short protein forms Y893*, Y909*, Y783*, Y796*, Y841*, Y842*.
Identifiers: ClinVar variation 661921 (VCV000661921.8), dbSNP rs1239498701, ClinGen allele CA341322971.

ClinVar aggregate classification (germline): Pathogenic/Likely pathogenic. Review status: criteria provided, multiple submitters, no conflicts (2 of 4 stars). 2 submissions from 2 submitters: Pathogenic (1); Likely pathogenic (1). Last evaluated 2025-11-03.

Conditions:
Glycogen storage disease type III (GSD3). Also called: FORBES DISEASE; Cori disease. Identifiers: Orphanet 366, MedGen C0017922, MONDO:0009291, OMIM 232400.

Allele frequency attached by ClinVar (database versions not stated): TOPMed below 0.00001.

Submissions (2):

Mayo Clinic Laboratories, Mayo Clinic
Classification: Likely pathogenic. Last evaluated: 2025-11-03. Review status: criteria provided, single submitter. Criteria: ACMG Guidelines, 2015. Collection method: clinical testing. Allele origin: germline. Observed: 1 variant allele.
Comment: PM2_supporting, PVS1

Labcorp Genetics (formerly Invitae), Labcorp
Classification: Pathogenic for Glycogen storage disease type III. Last evaluated: 2023-06-21. Review status: criteria provided, single submitter. Criteria: Invitae Variant Classification Sherloc (09022015). Collection method: clinical testing. Allele origin: germline.
Comment: For these reasons, this variant has been classified as Pathogenic. ClinVar contains an entry for this variant (Variation ID: 661921). This variant has not been reported in the literature in individuals affected with AGL-related conditions. This variant is not present in population databases (gnomAD no frequency). This sequence change creates a premature translational stop signal (p.Tyr909*) in the AGL gene. It is expected to result in an absent or disrupted protein product. Loss-of-function variants in AGL are known to be pathogenic (PMID: 19299494).

Literature cited by the submitters: PubMed 19299494 (cited by Labcorp Genetics (formerly Invitae), Labcorp).